The following is an entry in ClinVar:

ClinVar aggregate classification (germline): Pathogenic/Likely pathogenic. Review status: criteria provided, multiple submitters, no conflicts (2 of 4 stars). 3 submissions from 3 submitters: Pathogenic (1); Likely pathogenic (1). 1 of the submissions does not count toward it. Last evaluated 2025-01-06.

Conditions:
Glycine encephalopathy 1 (GCE1). Identifiers: MedGen CN376801, MONDO:0958179, OMIM 605899.
Glycine encephalopathy. Also called: Non-ketotic hyperglycinemia; Nonketotic hyperglycinemia. Identifiers: Orphanet 407, MedGen C0751748, MONDO:0011612, HP:0008288.

Allele frequency attached by ClinVar (database versions not stated): gnomAD exomes below 0.00001; ExAC 0.00001.
gnomAD v4.1: 3 of 1,611,698 alleles (0.00019%); highest among the groups gnomAD compares: African/African-American, 0.0013%; no homozygotes.

Submissions (3):

GeneDx
Classification: Likely pathogenic. Last evaluated: 2025-01-06. Review status: criteria provided, single submitter. Criteria: GeneDx Variant Classification Process June 2021. Collection method: clinical testing. Allele origin: germline. Affected: yes.
Comment: Published functional studies demonstrate a damaging effect, as variant affects GCS P-protein activity and stability (PMID: 28244183); Not observed at significant frequency in large population cohorts (gnomAD); In silico analysis supports that this missense variant has a deleterious effect on protein structure/function; This variant is associated with the following publications: (PMID: 32421718, 35616651, 27362913, 28244183)

Labcorp Genetics (formerly Invitae), Labcorp
Classification: Pathogenic for Glycine encephalopathy. Last evaluated: 2023-08-24. Review status: criteria provided, single submitter. Criteria: Invitae Variant Classification Sherloc (09022015). Collection method: clinical testing. Allele origin: germline.
Comment: This sequence change replaces arginine, which is basic and polar, with cysteine, which is neutral and slightly polar, at codon 362 of the GLDC protein (p.Arg362Cys). For these reasons, this variant has been classified as Pathogenic. Experimental studies have shown that this missense change affects GLDC function (PMID: 28244183). Advanced modeling of protein sequence and biophysical properties (such as structural, functional, and spatial information, amino acid conservation, physicochemical variation, residue mobility, and thermodynamic stability) performed at Invitae indicates that this missense variant is expected to disrupt GLDC protein function. ClinVar contains an entry for this variant (Variation ID: 554517). This missense change has been observed in individual(s) with glycine encephalopathy (PMID: 27362913). This variant is present in population databases (rs10975674, gnomAD 0.0009%).

Counsyl
Classification: Uncertain significance for Glycine encephalopathy 1. Last evaluated: 2017-10-24. Review status: no assertion criteria provided. Collection method: clinical testing. Allele origin: unknown. Not counted in ClinVar's aggregate classification.

Literature cited by the submitters: PubMed 28244183 (cited by Labcorp Genetics (formerly Invitae), Labcorp and Counsyl); PubMed 27362913 (cited by Labcorp Genetics (formerly Invitae), Labcorp).

NM_000170.3(GLDC):c.1084C>T (p.Arg362Cys)

Gene: GLDC (glycine decarboxylase; minus strand). Cytogenetic location: 9p24.1.
Variant type: single nucleotide variant.
Coding change: c.1084C>T on transcript NM_000170.3 (MANE Select); coding-DNA position 1084, C replaced by T.
Protein change: p.Arg362Cys; replaces arginine 362 with cysteine.
Molecular consequence: missense variant.
Genome position (GRCh38, 1-based): chr9:6,602,180, G>A on the plus strand (C>T on the coding strand, the complement: GLDC is on the minus strand). VCF-style: chr9-6602180-G-A. GRCh37 (hg19) VCF-style: chr9-6602180-G-A.
Other names: short protein forms R362C.
Identifiers: ClinVar variation 554517 (VCV000554517.11), dbSNP rs10975674, ClinGen allele CA4980866.
Genomic context (GRCh38, chr9:6,602,180, plus strand): 5'-AGATGTTGCTGGTAGCCTTGTCTCTCCGAATGTGTTGCTCCCTGGTTTGAAGAGCAAGAC[G>A]ATACACTTCTTTCCCAGTGGCATCTCTACACCAAGAATAAGGCATCCAGTTAGCACAGAT-3'
Protein context (NP_000161.2, residues 352-372): TRDATGKEVY[Arg362Cys]LALQTREQHI